The following is an entry in ClinVar:

ClinVar aggregate classification (germline): Uncertain significance (1 of 4 stars; one submission).

Conditions:
Nemaline myopathy 2 (NEM2). Also called: Nemaline myopathy 2, autosomal recessive. Identifiers: MedGen C1850569, MONDO:0009725, OMIM 256030.

Allele frequency attached by ClinVar (database versions not stated): gnomAD exomes below 0.00001; gnomAD 0.00001.
gnomAD v4.1: 2 of 1,613,928 alleles (0.00012%); highest among the groups gnomAD compares: Non-Finnish European, 0.00017%; no homozygotes.

Submission:

Labcorp Genetics (formerly Invitae), Labcorp
Classification: Uncertain significance for Nemaline myopathy 2. Last evaluated: 2025-10-01. Review status: criteria provided, single submitter. Criteria: Invitae Variant Classification Sherloc (09022015). Collection method: clinical testing. Allele origin: germline.
Comment: This sequence change replaces isoleucine, which is neutral and non-polar, with valine, which is neutral and non-polar, at codon 2442 of the NEB protein (p.Ile2442Val). This variant is not present in population databases (gnomAD no frequency). This variant has not been reported in the literature in individuals affected with NEB-related conditions. ClinVar contains an entry for this variant (Variation ID: 465633). Experimental studies and prediction algorithms are not available or were not evaluated, and the functional significance of this variant is currently unknown. In summary, the available evidence is currently insufficient to determine the role of this variant in disease. Therefore, it has been classified as a Variant of Uncertain Significance.

NM_001164508.2(NEB):c.7324A>G (p.Ile2442Val)

Gene: NEB (nebulin; minus strand). Cytogenetic location: 2q23.3.
Variant type: single nucleotide variant.
Coding change: c.7324A>G on transcript NM_001164508.2 (MANE Select); coding-DNA position 7324, A replaced by G.
Protein change: p.Ile2442Val; replaces isoleucine 2442 with valine.
Molecular consequence: missense variant.
Genome position (GRCh38, 1-based): chr2:151,650,283, T>C on the plus strand (A>G on the coding strand, the complement: NEB is on the minus strand). VCF-style: chr2-151650283-T-C. GRCh37 (hg19) VCF-style: chr2-152506797-T-C.
Other names: c.7324A>G, p.Ile2442Val (NM_001164507.2, NM_001271208.2, NM_004543.5); short protein forms I2442V.
Identifiers: ClinVar variation 465633 (VCV000465633.10), dbSNP rs1553447698, ClinGen allele CA348788208.
Genomic context (GRCh38, chr2:151,650,283, plus strand): 5'-CATCAGGAATGCTGGTGAACTTGTTTCTGTCTGGAGGCTGACGATATTTCTTCTCACTGA[T>C]GATTTCCGAAGCCCGCTTGTTCTTTTCTGCCTCTAAAGAACCCAAGGGACTCCATCCTAT-3'
Protein context (NP_001157980.2, residues 2432-2452): AEKNKRASEI[Ile2442Val]SEKKYRQPPD